The following is an entry in ClinVar:

ClinVar aggregate classification (germline): Uncertain significance. Review status: criteria provided, multiple submitters, no conflicts (2 of 4 stars). 3 submissions from 3 submitters: Uncertain significance (3). Last evaluated 2025-07-09.

Conditions:
AFF4-related disorder. Also called: AFF4-related condition.
Cognitive impairment - coarse facies - heart defects - obesity - pulmonary involvement - short stature - skeletal dysplasia syndrome. Also called: AFF4-Related CHOPS Syndrome; Chops syndrome; COGNITIVE IMPAIRMENT, COARSE FACIES, HEART DEFECTS, OBESITY, PULMONARY INVOLVEMENT, SHORT STATURE, AND SKELETAL DYSPLASIA. Identifiers: Orphanet 444077, MedGen C4085597, MONDO:0014609, OMIM 616368.
Inborn genetic diseases. Identifiers: MedGen C0950123, MeSH D030342.

Allele frequency attached by ClinVar (database versions not stated): ExAC 0.00002; gnomAD 0.00002; gnomAD exomes 0.00002; TOPMed 0.00003.
gnomAD v4.1: 27 of 1,609,444 alleles (0.0017%); highest among the groups gnomAD compares: Admixed American, 0.0034%; no homozygotes.

Submissions (3):

Labcorp Genetics (formerly Invitae), Labcorp
Classification: Uncertain significance for Cognitive impairment - coarse facies - heart defects - obesity - pulmonary involvement - short stature - skeletal dysplasia syndrome. Last evaluated: 2025-07-09. Review status: criteria provided, single submitter. Criteria: Invitae Variant Classification Sherloc (09022015). Collection method: clinical testing. Allele origin: germline.
Comment: This sequence change replaces threonine, which is neutral and polar, with methionine, which is neutral and non-polar, at codon 324 of the AFF4 protein (p.Thr324Met). This variant is present in population databases (rs780844382, gnomAD 0.01%). This variant has not been reported in the literature in individuals affected with AFF4-related conditions. ClinVar contains an entry for this variant (Variation ID: 2720985). Invitae Evidence Modeling of protein sequence and biophysical properties (such as structural, functional, and spatial information, amino acid conservation, physicochemical variation, residue mobility, and thermodynamic stability) indicates that this missense variant is expected to disrupt AFF4 protein function with a positive predictive value of 80%. In summary, the available evidence is currently insufficient to determine the role of this variant in disease. Therefore, it has been classified as a Variant of Uncertain Significance.

PreventionGenetics, part of Exact Sciences
Classification: Uncertain significance for AFF4-related condition. Last evaluated: 2024-12-03. Review status: criteria provided, single submitter. Criteria: ACMG Guidelines, 2015. Collection method: clinical testing. Allele origin: germline.
Comment: The AFF4 c.971C>T variant is predicted to result in the amino acid substitution p.Thr324Met. To our knowledge, this variant has not been reported in the literature. This variant is reported in 0.0097% of alleles in individuals of Ashkenazi Jewish descent in gnomAD. At this time, the clinical significance of this variant is uncertain due to the absence of conclusive functional and genetic evidence.

Ambry Genetics
Classification: Uncertain significance for Inborn genetic diseases. Last evaluated: 2024-07-30. Review status: criteria provided, single submitter. Criteria: Ambry Variant Classification Scheme 2023. Collection method: clinical testing. Allele origin: germline.

NM_014423.4(AFF4):c.971C>T (p.Thr324Met)

Gene: AFF4 (ALF transcription elongation factor 4; minus strand). Cytogenetic location: 5q31.1.
Variant type: single nucleotide variant.
Coding change: c.971C>T on transcript NM_014423.4 (MANE Select); coding-DNA position 971, C replaced by T.
Protein change: p.Thr324Met; replaces threonine 324 with methionine.
Molecular consequence: missense variant.
Genome position (GRCh38, 1-based): chr5:132,927,200, G>A on the plus strand (C>T on the coding strand, the complement: AFF4 is on the minus strand). VCF-style: chr5-132927200-G-A. GRCh37 (hg19) VCF-style: chr5-132262892-G-A.
Other names: c.971C>T (NM_014423.3); short protein forms T324M.
Identifiers: ClinVar variation 2720985 (VCV002720985.5), dbSNP rs780844382, ClinGen allele CA3409296.
Genomic context (GRCh38, chr5:132,927,200, plus strand): 5'-TTGGAAGGTTCTGTTTTGCATGGTGTATGAATAGCCGTTAGAGGGGGAGGCCATGAATGC[G>A]TCATCTCCTGAAATGTAATTATTACAGTTTGTTTTCAACCAGGTCAAGGATAAAAATTAT-3'
Protein context (NP_055238.1, residues 314-334): SCVDEILKEM[Thr324Met]HSWPPPLTAI